The following is an entry in ClinVar:

ClinVar aggregate classification (germline): Uncertain significance (1 of 4 stars; one submission).

Conditions:
Mucopolysaccharidosis, MPS-III-B (MPS3B). Also called: N-ACETYL-ALPHA-D-GLUCOSAMINIDASE DEFICIENCY; NAGLU DEFICIENCY; SANFILIPPO SYNDROME B; MPS III B; Mucopolysaccharidosis type IIIB (Sanfilippo B); MPS IIIB (Sanfilippo Syndrome Type B). Identifiers: Orphanet 79270, MedGen C0086648, MONDO:0009656, OMIM 252920.
Charcot-Marie-Tooth disease axonal type 2V. Also called: CHARCOT-MARIE-TOOTH NEUROPATHY, TYPE 2V; CHARCOT-MARIE-TOOTH DISEASE, AXONAL, AUTOSOMAL DOMINANT, TYPE 2V. Identifiers: Orphanet 447964, MedGen C5569050, MONDO:0014665, OMIM 616491.

Submission:

Labcorp Genetics (formerly Invitae), Labcorp
Classification: Uncertain significance for Charcot-Marie-Tooth disease axonal type 2V; Mucopolysaccharidosis, MPS-III-B. Last evaluated: 2022-05-11. Review status: criteria provided, single submitter. Criteria: Invitae Variant Classification Sherloc (09022015). Collection method: clinical testing. Allele origin: germline.
Comment: In summary, the available evidence is currently insufficient to determine the role of this variant in disease. Therefore, it has been classified as a Variant of Uncertain Significance. Algorithms developed to predict the effect of sequence changes on RNA splicing suggest that this variant may create or strengthen a splice site. Advanced modeling of protein sequence and biophysical properties (such as structural, functional, and spatial information, amino acid conservation, physicochemical variation, residue mobility, and thermodynamic stability) performed at Invitae indicates that this missense variant is expected to disrupt NAGLU protein function. This variant has not been reported in the literature in individuals affected with NAGLU-related conditions. This variant is not present in population databases (gnomAD no frequency). This sequence change replaces glutamic acid, which is acidic and polar, with glutamine, which is neutral and polar, at codon 538 of the NAGLU protein (p.Glu538Gln).

NM_000263.4(NAGLU):c.1612G>C (p.Glu538Gln)

Gene: NAGLU (N-acetyl-alpha-glucosaminidase; plus strand). Cytogenetic location: 17q21.2.
Variant type: single nucleotide variant.
Coding change: c.1612G>C on transcript NM_000263.4 (MANE Select); coding-DNA position 1612, G replaced by C.
Protein change: p.Glu538Gln; replaces glutamic acid 538 with glutamine.
Molecular consequence: missense variant.
Genome position (GRCh38, 1-based): chr17:42,543,618, G>C. VCF-style: chr17-42543618-G-C. GRCh37 (hg19) VCF-style: chr17-40695636-G-C.
Other names: short protein forms E538Q.
Identifiers: ClinVar variation 1993122 (VCV001993122.4), dbSNP rs2510659918, ClinGen allele CA399604287.